The following is an entry in ClinVar:

NM_000505.4(F12):c.1251-7C>G

Gene: F12 (coagulation factor XII; minus strand). Cytogenetic location: 5q35.3.
Variant type: single nucleotide variant.
Coding change: c.1251-7C>G on transcript NM_000505.4 (MANE Select); 7 bases into the intron before coding-DNA position 1251, C replaced by G.
Molecular consequence: intron variant.
Genome position (GRCh38, 1-based): chr5:177,403,624, G>C on the plus strand (C>G on the coding strand, the complement: F12 is on the minus strand). VCF-style: chr5-177403624-G-C. GRCh37 (hg19) VCF-style: chr5-176830625-G-C.
Identifiers: ClinVar variation 5038460 (VCV005038460.1).
Genomic context (GRCh38, chr5:177,403,624, plus strand): 5'-CTGTGGTTACGGCGTTCCTGGCCGAGCACCACCGTCAGATCCTCGGGTGCGGGCCTGCGG[G>C]GGGGGTAGGGGAGAGGCAGCGCTCTCAGACCTGGCCACAAGCGTTCTGGGGAAGCCCCCT-3'

ClinVar aggregate classification (germline): Uncertain significance (1 of 4 stars; one submission).

gnomAD v4.1: 120 of 1,602,654 alleles (0.0075%); highest among the groups gnomAD compares: Non-Finnish European, 0.008%; no homozygotes.

Submission:

CeGaT Center for Human Genetics Tuebingen
Classification: Uncertain significance. Last evaluated: 2026-07-01. Review status: criteria provided, single submitter. Criteria: CeGaT Center For Human Genetics Tuebingen Variant Classification Criteria Version 2. Collection method: clinical testing. Allele origin: germline. Affected: yes. Observed: 1 variant allele.
Comment: F12: PM2, BP4